The following is an entry in ClinVar:

NM_007059.4(KPTN):c.504G>A (p.Pro168=)

Gene: KPTN (kaptin, actin binding protein; minus strand). Cytogenetic location: 19q13.32.
Variant type: single nucleotide variant.
Coding change: c.504G>A on transcript NM_007059.4 (MANE Select); coding-DNA position 504, G replaced by A.
Protein change: p.Pro168=; no amino-acid change (proline 168 retained).
Molecular consequence: synonymous variant. On other transcripts: non-coding transcript variant (1).
Genome position (GRCh38, 1-based): chr19:47,480,979, C>T on the plus strand (G>A on the coding strand, the complement: KPTN is on the minus strand). VCF-style: chr19-47480979-C-T. GRCh37 (hg19) VCF-style: chr19-47984236-C-T.
Other names: c.336G>A, p.Pro112= (NM_001291296.2).
Identifiers: ClinVar variation 474857 (VCV000474857.17), dbSNP rs61743291, ClinGen allele CA9540427.

ClinVar aggregate classification (germline): Benign. Review status: criteria provided, multiple submitters, no conflicts (2 of 4 stars). 4 submissions from 4 submitters: Benign (3). 1 of the submissions does not count toward it. Last evaluated 2026-01-26.

Conditions:
KPTN-related disorder. Also called: KPTN-related condition. Identifiers: MedGen CN381532.
Macrocephaly-developmental delay syndrome (MRT41). Also called: INTELLECTUAL DEVELOPMENTAL DISORDER, AUTOSOMAL RECESSIVE 41. Identifiers: Orphanet 397612, MedGen C3810225, MONDO:0014289, OMIM 615637.

Allele frequency attached by ClinVar (database versions not stated): ESP Exome Variant Server 0.01798; gnomAD 0.02156 and 0.02243; gnomAD exomes 0.02177 and 0.02532; ExAC 0.03152; 1000 Genomes Project 0.00679; 1000 Genomes Project 30x 0.00796; TOPMed 0.01596.

Submissions (4):

Labcorp Genetics (formerly Invitae), Labcorp
Classification: Benign for Macrocephaly-developmental delay syndrome. Last evaluated: 2026-01-26. Review status: criteria provided, single submitter. Criteria: Invitae Variant Classification Sherloc (09022015). Collection method: clinical testing. Allele origin: germline.

GeneDx
Classification: Benign. Last evaluated: 2021-05-05. Review status: criteria provided, single submitter. Criteria: GeneDx Variant Classification Process June 2021. Collection method: clinical testing. Allele origin: germline. Affected: yes.

Breakthrough Genomics
Classification: Benign. Review status: criteria provided, single submitter. Criteria: ACMG Guidelines, 2015. Collection method: not provided. Allele origin: germline. Inheritance: Autosomal recessive inheritance. Affected: yes.

PreventionGenetics, part of Exact Sciences
Classification: Benign for KPTN-related condition. Last evaluated: 2019-07-08. Review status: no assertion criteria provided. Collection method: clinical testing. Allele origin: germline. Not counted in ClinVar's aggregate classification.
Comment: This variant is classified as benign based on ACMG/AMP sequence variant interpretation guidelines (Richards et al. 2015 PMID: 25741868, with internal and published modifications).